The following is an entry in ClinVar:

NM_001267550.2(TTN):c.70753G>A (p.Val23585Met)

Genes: TTN (titin; minus strand), TTN-AS1 (TTN antisense RNA 1; plus strand). Cytogenetic location: 2q31.2.
Variant type: single nucleotide variant.
Coding change: c.70753G>A on transcript NM_001267550.2 (MANE Select); coding-DNA position 70753, G replaced by A.
Protein change: p.Val23585Met; replaces valine 23585 with methionine.
Molecular consequence: missense variant.
Genome position (GRCh38, 1-based): chr2:178,575,379, C>T on the plus strand (G>A on the coding strand, the complement: TTN is on the minus strand). VCF-style: chr2-178575379-C-T. GRCh37 (hg19) VCF-style: chr2-179440106-C-T.
Other names: c.65830G>A, p.Val21944Met (NM_001256850.1); c.43558G>A, p.Val14520Met (NM_003319.4); c.63049G>A, p.Val21017Met (NM_133378.4); c.43933G>A, p.Val14645Met (NM_133432.3); c.44134G>A, p.Val14712Met (NM_133437.4); short protein forms V23585M, V21017M, V14645M, V21944M, V14520M, V14712M.
Identifiers: ClinVar variation 404968 (VCV000404968.6), dbSNP rs754040141, ClinGen allele CA1990730.

ClinVar aggregate classification (germline): Conflicting classifications of pathogenicity. Review status: criteria provided, conflicting classifications (1 of 4 stars). 4 submissions from 4 submitters: Uncertain significance (3); Likely benign (1). Last evaluated 2025-11-12.

Conditions:
Autosomal recessive limb-girdle muscular dystrophy type 2J (LGMDR10). Also called: Limb-girdle muscular dystrophy, type 2J; MUSCULAR DYSTROPHY, LIMB-GIRDLE, AUTOSOMAL RECESSIVE 10. Identifiers: Orphanet 140922, MedGen C1837342, MONDO:0012127, OMIM 608807.
Dilated cardiomyopathy 1G (CMD1G). Identifiers: Orphanet 154, MedGen C1858763, MONDO:0011400, OMIM 604145.
Hypertrophic cardiomyopathy 9. Also called: Familial hypertrophic cardiomyopathy 9. Identifiers: MedGen C1861065, MONDO:0013412, OMIM 613765.
Early-onset myopathy with fatal cardiomyopathy (CMYO5). Also called: Salih Myopathy; CONGENITAL MYOPATHY 5 WITH CARDIOMYOPATHY. Identifiers: Orphanet 289377, MedGen C2673677, MONDO:0012714, OMIM 611705. Disease mechanism: loss of function.
Tibial muscular dystrophy (TMD). Also called: Tibial muscular dystrophy, tardive; UDD MYOPATHY; Udd Distal Myopathy – Tibial Muscular Dystrophy. Identifiers: Orphanet 609, MedGen C1838244, MONDO:0010870, OMIM 600334.
Myopathy, myofibrillar, 9, with early respiratory failure (MFM9). Also called: MYOPATHY, PROXIMAL, WITH EARLY RESPIRATORY MUSCLE INVOLVEMENT; Hereditary myopathy with early respiratory failure; EDSTROM MYOPATHY; Myopathy, distal, with early respiratory failure, autosomal dominant. Identifiers: Orphanet 178464, Orphanet 34521, MedGen C1863599, MONDO:0011362, OMIM 603689.

Allele frequency attached by ClinVar (database versions not stated): gnomAD 0.00001; gnomAD exomes 0.00001 and 0.00002; TOPMed 0.00002; ExAC 0.00003.
gnomAD v4.1: 17 of 1,613,472 alleles (0.0011%); highest among the groups gnomAD compares: Admixed American, 0.01%; no homozygotes.

Submissions (4):

Women's Health and Genetics/Laboratory Corporation of America, LabCorp
Classification: Uncertain significance. Last evaluated: 2025-11-12. Review status: criteria provided, single submitter. Criteria: LabCorp Variant Classification Summary - May 2015. Collection method: clinical testing. Allele origin: germline.
Comment: Variant summary: TTN NM_133378 c.63049G>A (p.Val21017Met), also known as NM_001267550 c.70753G>A (p.Val23585Met), results in a conservative amino acid change located in the A-band of the encoded protein sequence. Algorithms developed to predict the effect of missense changes on protein structure and function are either unavailable or do not agree on the potential impact of this missense change. The variant allele was found at a frequency of 2e-05 in 248500 control chromosomes. The available data on variant occurrences in the general population are insufficient to allow any conclusion about variant significance. To our knowledge, no occurrence of c.63049G>A in individuals affected with TTN-related conditions and no experimental evidence demonstrating its impact on protein function have been reported. ClinVar contains an entry for this variant (Variation ID: 404968). Based on the evidence outlined above, the variant was classified as uncertain significance.

Blueprint Genetics
Classification: Likely benign. Last evaluated: 2024-09-02. Review status: criteria provided, single submitter. Criteria: ACMG Guidelines, 2015. Collection method: clinical testing. Allele origin: germline.

Fulgent Genetics
Classification: Uncertain significance for Tibial muscular dystrophy; Myopathy, myofibrillar, 9, with early respiratory failure; Dilated cardiomyopathy 1G; Autosomal recessive limb-girdle muscular dystrophy type 2J; Early-onset myopathy with fatal cardiomyopathy; Hypertrophic cardiomyopathy 9. Last evaluated: 2021-09-07. Review status: criteria provided, single submitter. Criteria: ACMG Guidelines, 2015. Collection method: clinical testing. Allele origin: unknown.

Labcorp Genetics (formerly Invitae), Labcorp
Classification: Uncertain significance for Dilated cardiomyopathy 1G; Autosomal recessive limb-girdle muscular dystrophy type 2J. Last evaluated: 2016-07-21. Review status: criteria provided, single submitter. Criteria: Invitae Variant Classification Sherloc (09022015). Collection method: clinical testing. Allele origin: germline.